The following is an entry in ClinVar:

ClinVar aggregate classification (germline): Uncertain significance. Review status: criteria provided, multiple submitters, no conflicts (2 of 4 stars). 3 submissions from 3 submitters: Uncertain significance (3). Last evaluated 2026-01-06.

Conditions:
Benign neonatal seizures. Also called: Benign familial neonatal seizures; Benign neonatal familial convulsions; Benign familial neonatal epilepsy; Convulsions benign familial neonatal dominant form; Autosomal dominant form of benign neonatal seizures. Identifiers: Orphanet 1949, MedGen C0220669, MONDO:0016027.
Inborn genetic diseases. Identifiers: MedGen C0950123, MeSH D030342.

Allele frequency attached by ClinVar (database versions not stated): TOPMed 0.00002.
gnomAD v4.1: 10 of 1,614,004 alleles (0.00062%); highest among the groups gnomAD compares: East Asian, 0.0067%; no homozygotes.

Submissions (3):

Labcorp Genetics (formerly Invitae), Labcorp
Classification: Uncertain significance for Benign neonatal seizures. Last evaluated: 2026-01-06. Review status: criteria provided, single submitter. Criteria: Invitae Variant Classification Sherloc (09022015). Collection method: clinical testing. Allele origin: germline.
Comment: This sequence change replaces aspartic acid, which is acidic and polar, with asparagine, which is neutral and polar, at codon 679 of the KCNQ3 protein (p.Asp679Asn). This variant is present in population databases (rs773672399, gnomAD 0.006%). This variant has not been reported in the literature in individuals affected with KCNQ3-related conditions. ClinVar contains an entry for this variant (Variation ID: 393167). Invitae Evidence Modeling of protein sequence and biophysical properties (such as structural, functional, and spatial information, amino acid conservation, physicochemical variation, residue mobility, and thermodynamic stability) indicates that this missense variant is not expected to disrupt KCNQ3 protein function with a negative predictive value of 80%. In summary, the available evidence is currently insufficient to determine the role of this variant in disease. Therefore, it has been classified as a Variant of Uncertain Significance.

GeneDx
Classification: Uncertain significance. Last evaluated: 2025-06-27. Review status: criteria provided, single submitter. Criteria: GeneDx Variant Classification Process June 2021. Collection method: clinical testing. Allele origin: germline. Affected: yes.
Comment: In silico analysis suggests that this missense variant does not alter protein structure/function; Has not been previously published as pathogenic or benign to our knowledge

Ambry Genetics
Classification: Uncertain significance for Inborn genetic diseases. Last evaluated: 2023-02-28. Review status: criteria provided, single submitter. Criteria: Ambry Variant Classification Scheme 2023. Collection method: clinical testing. Allele origin: germline.

NM_004519.4(KCNQ3):c.2035G>A (p.Asp679Asn)

Gene: KCNQ3 (potassium voltage-gated channel subfamily Q member 3; minus strand). Cytogenetic location: 8q24.22.
Variant type: single nucleotide variant.
Coding change: c.2035G>A on transcript NM_004519.4 (MANE Select); coding-DNA position 2035, G replaced by A.
Protein change: p.Asp679Asn; replaces aspartic acid 679 with asparagine.
Molecular consequence: missense variant.
Genome position (GRCh38, 1-based): chr8:132,129,846, C>T on the plus strand (G>A on the coding strand, the complement: KCNQ3 is on the minus strand). VCF-style: chr8-132129846-C-T. GRCh37 (hg19) VCF-style: chr8-133142093-C-T.
Other names: c.1675G>A, p.Asp559Asn (NM_001204824.2); short protein forms D679N, D559N.
Identifiers: ClinVar variation 393167 (VCV000393167.10), dbSNP rs773672399, ClinGen allele CA4880517.